The following is an entry in ClinVar:

ClinVar aggregate classification (germline): Uncertain significance (1 of 4 stars; one submission).

Conditions:
Developmental and epileptic encephalopathy, 32 (DEE32). Also called: Epileptic encephalopathy, early infantile, 32. Identifiers: Orphanet 442835, MedGen C4225350, MONDO:0014607, OMIM 616366.

Submission:

Labcorp Genetics (formerly Invitae), Labcorp
Classification: Uncertain significance for Developmental and epileptic encephalopathy, 32. Last evaluated: 2024-05-08. Review status: criteria provided, single submitter. Criteria: Invitae Variant Classification Sherloc (09022015). Collection method: clinical testing. Allele origin: germline.
Comment: This sequence change replaces threonine, which is neutral and polar, with isoleucine, which is neutral and non-polar, at codon 374 of the KCNA2 protein (p.Thr374Ile). This variant is not present in population databases (gnomAD no frequency). This missense change has been observed in individual(s) with seizures (Invitae). Advanced modeling of protein sequence and biophysical properties (such as structural, functional, and spatial information, amino acid conservation, physicochemical variation, residue mobility, and thermodynamic stability) performed at Invitae indicates that this missense variant is expected to disrupt KCNA2 protein function with a positive predictive value of 80%. This variant disrupts the p.Thr374 amino acid residue in KCNA2. Other variant(s) that disrupt this residue have been determined to be pathogenic (PMID: 27117551, 29050392). This suggests that this residue is clinically significant, and that variants that disrupt this residue are likely to be disease-causing. In summary, the available evidence is currently insufficient to determine the role of this variant in disease. Therefore, it has been classified as a Variant of Uncertain Significance.

Literature cited by the submitters: PubMed 27117551; PubMed 29050392.

NM_004974.4(KCNA2):c.1121C>T (p.Thr374Ile)

Gene: KCNA2 (potassium voltage-gated channel subfamily A member 2; minus strand). Cytogenetic location: 1p13.3.
Variant type: single nucleotide variant.
Coding change: c.1121C>T on transcript NM_004974.4 (MANE Select); coding-DNA position 1121, C replaced by T.
Protein change: p.Thr374Ile; replaces threonine 374 with isoleucine.
Molecular consequence: missense variant. On other transcripts: intron variant (1).
Genome position (GRCh38, 1-based): chr1:110,603,662, G>A on the plus strand (C>T on the coding strand, the complement: KCNA2 is on the minus strand). VCF-style: chr1-110603662-G-A. GRCh37 (hg19) VCF-style: chr1-111146284-G-A.
Other names: c.894+227C>T (NM_001204269.2); short protein forms T374I.
Identifiers: ClinVar variation 3652650 (VCV003652650.2).
Genomic context (GRCh38, chr1:110,603,662, plus strand): 5'-CATAGGGAACCCACTATCTTTCCCCCAATGGTAGTCGGAACCATGTCTCCATAGCCTACA[G>A]TTGTCATGGAGACGACTGCCCACCAGAAGGCATCTGGGATGCTGGGGAACTGGGACTCTC-3'
Protein context (NP_004965.1, residues 364-384): AFWWAVVSMT[Thr374Ile]VGYGDMVPTT